The following is an entry in ClinVar:

NM_014946.4(SPAST):c.1181C>T (p.Ala394Val)

Gene: SPAST (spastin; plus strand). Cytogenetic location: 2p22.3.
Variant type: single nucleotide variant.
Coding change: c.1181C>T on transcript NM_014946.4 (MANE Select); coding-DNA position 1181, C replaced by T.
Protein change: p.Ala394Val; replaces alanine 394 with valine.
Molecular consequence: missense variant.
Genome position (GRCh38, 1-based): chr2:32,128,415, C>T. VCF-style: chr2-32128415-C-T. GRCh37 (hg19) VCF-style: chr2-32353484-C-T.
Other names: c.1178C>T, p.Ala393Val (NM_001363823.2); c.1082C>T, p.Ala361Val (NM_001363875.2); c.1085C>T, p.Ala362Val (NM_001377959.1, NM_199436.2); short protein forms A361V, A362V, A393V, A394V.
Identifiers: ClinVar variation 1311513 (VCV001311513.3), dbSNP rs1189374970, ClinGen allele CA346501378.
Genomic context (GRCh38, chr2:32,128,415, plus strand): 5'-TTTAAATGTAATATATTGAACTAATTTAATATTTGCTCTTGTGATTTTTAAAGGCTAAAG[C>T]AGTAGCTGCAGAATCGAATGCAACCTTCTTTAATATAAGTGCTGCAAGTTTAACTTCAAA-3'
Protein context (NP_055761.2, residues 384-404): PGNGKTMLAK[Ala394Val]VAAESNATFF

ClinVar aggregate classification (germline): Uncertain significance. Review status: criteria provided, multiple submitters, no conflicts (2 of 4 stars). 2 submissions from 2 submitters: Uncertain significance (2). Last evaluated 2025-06-03.

Conditions:
Inborn genetic diseases. Identifiers: MedGen C0950123, MeSH D030342.

Allele frequency attached by ClinVar (database versions not stated): TOPMed below 0.00001; gnomAD 0.00001.
gnomAD v4.1: 1 of 1,608,352 alleles (0.000062%); highest among the groups gnomAD compares: Non-Finnish European, 0.000085%; no homozygotes.

Submissions (2):

Ambry Genetics
Classification: Uncertain significance for Inborn genetic diseases. Last evaluated: 2025-06-03. Review status: criteria provided, single submitter. Criteria: Ambry Variant Classification Scheme 2023. Collection method: clinical testing. Allele origin: germline.

GeneDx
Classification: Uncertain significance. Last evaluated: 2020-01-09. Review status: criteria provided, single submitter. Criteria: GeneDx Variant Classification Process June 2021. Collection method: clinical testing. Allele origin: germline. Affected: yes.
Comment: Not observed in large population cohorts (Lek et al., 2016); In silico analysis, which includes protein predictors and evolutionary conservation, supports a deleterious effect; Has not been previously published as pathogenic or benign to our knowledge